The following is an entry in ClinVar:

ClinVar aggregate classification (germline): Uncertain significance (1 of 4 stars; one submission).

Allele frequency attached by ClinVar (database versions not stated): gnomAD exomes below 0.00001.
gnomAD v4.1: 1 of 1,613,374 alleles (0.000062%); highest among the groups gnomAD compares: Non-Finnish European, 0.000085%; no homozygotes.

Submission:

Women's Health and Genetics/Laboratory Corporation of America, LabCorp
Classification: Uncertain significance. Last evaluated: 2023-06-27. Review status: criteria provided, single submitter. Criteria: LabCorp Variant Classification Summary - May 2015. Collection method: clinical testing. Allele origin: germline.
Comment: Variant summary: PLEKHG2 c.4085C>T (p.Ala1362Val) results in a non-conservative amino acid change in the encoded protein sequence. Three of five in-silico tools predict a damaging effect of the variant on protein function. The variant was absent in 245904 control chromosomes (gnomAD). The available data on variant occurrences in the general population are insufficient to allow any conclusion about variant significance. To our knowledge, no occurrence of c.4085C>T in individuals affected with Leukodystrophy And Acquired Microcephaly With Or Without Dystonia and no experimental evidence demonstrating its impact on protein function have been reported. No submitters have cited clinical-significance assessments for this variant to ClinVar after 2014. Based on the evidence outlined above, the variant was classified as uncertain significance.

NM_022835.3(PLEKHG2):c.4085C>T (p.Ala1362Val)

Gene: PLEKHG2 (pleckstrin homology and RhoGEF domain containing G2; plus strand). Cytogenetic location: 19q13.2.
Variant type: single nucleotide variant.
Coding change: c.4085C>T on transcript NM_022835.3 (MANE Select); coding-DNA position 4085, C replaced by T.
Protein change: p.Ala1362Val; replaces alanine 1362 with valine.
Molecular consequence: missense variant. On other transcripts: intron variant (2).
Genome position (GRCh38, 1-based): chr19:39,425,218, C>T. VCF-style: chr19-39425218-C-T. GRCh37 (hg19) VCF-style: chr19-39915858-C-T.
Other names: c.3573-20C>T (NM_001351693.2); c.1678-20C>T (NM_001351694.2); short protein forms A1362V.
Identifiers: ClinVar variation 2573612 (VCV002573612.1), dbSNP rs2514463916, ClinGen allele CA405812036.